The following is an entry in ClinVar:

NM_001372044.2(SHANK3):c.2703G>A (p.Ala901=)

Gene: SHANK3 (SH3 and multiple ankyrin repeat domains 3; plus strand). Cytogenetic location: 22q13.33.
Variant type: single nucleotide variant.
Coding change: c.2703G>A on transcript NM_001372044.2 (MANE Select); coding-DNA position 2703, G replaced by A.
Protein change: p.Ala901=; no amino-acid change (alanine 901 retained).
Molecular consequence: synonymous variant.
Genome position (GRCh38, 1-based): chr22:50,720,311, G>A. VCF-style: chr22-50720311-G-A. GRCh37 (hg19) VCF-style: chr22-51158739-G-A.
Other names: c.2478G>A, p.Ala826= (NM_033517.1).
Identifiers: ClinVar variation 1791866 (VCV001791866.26), dbSNP rs925909458, ClinGen allele CA325578045.

ClinVar aggregate classification (germline): Likely benign. Review status: criteria provided, multiple submitters, no conflicts (2 of 4 stars). 2 submissions from 2 submitters: Likely benign (2). Last evaluated 2025-05-01.

Conditions:
Inborn genetic diseases. Identifiers: MedGen C0950123, MeSH D030342.

Allele frequency attached by ClinVar (database versions not stated): 1000 Genomes Project 30x 0.00016; gnomAD 0.00018; TOPMed 0.00018; gnomAD exomes 0.00029.

Submissions (2):

CeGaT Center for Human Genetics Tuebingen
Classification: Likely benign. Last evaluated: 2025-05-01. Review status: criteria provided, single submitter. Criteria: CeGaT Center For Human Genetics Tuebingen Variant Classification Criteria Version 2. Collection method: clinical testing. Allele origin: germline. Affected: yes. Observed: 2 variant alleles.
Comment: SHANK3: BP4, BP7

Ambry Genetics
Classification: Likely benign for Inborn genetic diseases. Last evaluated: 2018-04-11. Review status: criteria provided, single submitter. Criteria: Ambry Variant Classification Scheme 2023. Collection method: clinical testing. Allele origin: germline.